The following is an entry in ClinVar:

NM_004006.3(DMD):c.1375G>T (p.Glu459Ter)

Gene: DMD (dystrophin; minus strand). Cytogenetic location: Xp21.1.
Variant type: single nucleotide variant.
Coding change: c.1375G>T on transcript NM_004006.3 (MANE Select); coding-DNA position 1375, G replaced by T.
Protein change: p.Glu459Ter; replaces glutamic acid 459 with a stop codon.
Molecular consequence: nonsense.
Genome position (GRCh38, 1-based): chrX:32,614,410, C>A on the plus strand (G>T on the coding strand, the complement: DMD is on the minus strand). VCF-style: chrX-32614410-C-A. GRCh37 (hg19) VCF-style: chrX-32632527-C-A.
Other names: c.1351G>T, p.Glu451Ter (NM_000109.4); c.1363G>T, p.Glu455Ter (NM_004009.3); c.1006G>T, p.Glu336Ter (NM_004010.3); short protein forms E336*, E451*, E455*, E459*.
Identifiers: ClinVar variation 1322340 (VCV001322340.7), dbSNP rs2149350253, ClinGen allele CA412670260.

ClinVar aggregate classification (germline): Pathogenic/Likely pathogenic. Review status: criteria provided, multiple submitters, no conflicts (2 of 4 stars). 2 submissions from 2 submitters: Pathogenic (1); Likely pathogenic (1). Last evaluated 2022-10-17.

Conditions:
Becker muscular dystrophy (BMD). Also called: MUSCULAR DYSTROPHY, PSEUDOHYPERTROPHIC PROGRESSIVE, BECKER TYPE; Becker Muscular Dystrophy (BMD). Identifiers: Orphanet 98895, MedGen C0917713, MONDO:0010311, OMIM 300376.
Dilated cardiomyopathy 3B (CMD3B). Also called: CMD3B: DMD-Related Dilated Cardiomyopathy; CARDIOMYOPATHY, DILATED, X-LINKED; DMD-Associated Dilated Cardiomyopathy. Identifiers: Orphanet 154, MedGen C3668940, MONDO:0010542, OMIM 302045.
Duchenne muscular dystrophy (DMD). Also called: MUSCULAR DYSTROPHY, PSEUDOHYPERTROPHIC PROGRESSIVE, DUCHENNE TYPE; Duchenne Muscular Dystrophy (DMD). Identifiers: Orphanet 98896, MedGen C0013264, MONDO:0010679, OMIM 310200.

Submissions (2):

Labcorp Genetics (formerly Invitae), Labcorp
Classification: Pathogenic for Duchenne muscular dystrophy. Last evaluated: 2022-10-17. Review status: criteria provided, single submitter. Criteria: Invitae Variant Classification Sherloc (09022015). Collection method: clinical testing. Allele origin: germline.
Comment: For these reasons, this variant has been classified as Pathogenic. ClinVar contains an entry for this variant (Variation ID: 1322340). This premature translational stop signal has been observed in individual(s) with DMD-related conditions (PMID: 28503591). This variant is not present in population databases (gnomAD no frequency). This sequence change creates a premature translational stop signal (p.Glu459*) in the DMD gene. It is expected to result in an absent or disrupted protein product. Loss-of-function variants in DMD are known to be pathogenic (PMID: 16770791, 25007885).

Fulgent Genetics
Classification: Likely pathogenic for Becker muscular dystrophy; Dilated cardiomyopathy 3B; Duchenne muscular dystrophy. Last evaluated: 2021-10-26. Review status: criteria provided, single submitter. Criteria: ACMG Guidelines, 2015. Collection method: clinical testing. Allele origin: unknown.

Literature cited by the submitters: PubMed 28503591 (cited by Labcorp Genetics (formerly Invitae), Labcorp); PubMed 16770791 (cited by Labcorp Genetics (formerly Invitae), Labcorp); PubMed 25007885 (cited by Labcorp Genetics (formerly Invitae), Labcorp).